The following is an entry in ClinVar:

ClinVar aggregate classification (germline): Pathogenic (1 of 4 stars; one submission).

Conditions:
Familial adenomatous polyposis 1 (FAP1). Also called: FAMILIAL ADENOMATOUS POLYPOSIS 1, ATTENUATED; POLYPOSIS, ADENOMATOUS INTESTINAL. Identifiers: MedGen C2713442, MONDO:0021056, OMIM 175100. Disease mechanism: loss of function.

Submission:

Labcorp Genetics (formerly Invitae), Labcorp
Classification: Pathogenic for Familial adenomatous polyposis 1. Last evaluated: 2022-01-27. Review status: criteria provided, single submitter. Criteria: Invitae Variant Classification Sherloc (09022015). Collection method: clinical testing. Allele origin: germline.
Comment: This sequence change creates a premature translational stop signal (p.Ser2627Glnfs*12) in the APC gene. While this is not anticipated to result in nonsense mediated decay, it is expected to disrupt the last 217 amino acid(s) of the APC protein. This variant is not present in population databases (gnomAD no frequency). This variant has not been reported in the literature in individuals affected with APC-related conditions. ClinVar contains an entry for this variant (Variation ID: 844610). This variant is expected to disrupt the EB1 and HDLG binding sites, which mediate interactions with the cytoskeleton (PMID: 15311282, 17293347). While functional studies have not been performed to directly test the effect on APC protein function, this suggests that disruption of the C-terminal portion of the protein is functionally important. A different truncation (p.Tyr2645Lysfs*14) that lies downstream of this variant has been determined to be pathogenic (PMID: 9824584, 1316610, 27081525, 8381579, 22135120, Invitae). This suggests that deletion of this region of the APC protein is causative of disease. For these reasons, this variant has been classified as Pathogenic.

Literature cited by the submitters: PubMed 15311282; PubMed 17293347; PubMed 9824584; PubMed 1316610; PubMed 27081525; PubMed 8381579; PubMed 22135120.

NM_000038.6(APC):c.7879_7894del (p.Ser2627fs)

Gene: APC (APC regulator of Wnt signaling pathway; plus strand). Cytogenetic location: 5q22.2.
Variant type: Deletion.
Coding change: c.7879_7894del on transcript NM_000038.6 (MANE Select); coding-DNA positions 7879 to 7894, 16 bases deleted (TCTCAGACCGTTTCCT).
Protein change: p.Ser2627fs; shifts the reading frame from serine 2627.
Molecular consequence: frameshift variant.
Genome position (GRCh38, 1-based): chr5:112,843,473-112,843,488, TCTCAGACCGTTTCCT deleted; deleting any 16 consecutive bases within chr5:112,843,471-112,843,488 gives the same sequence; the c. name uses the placement nearest the transcript's 3' end. VCF-style (leftmost placement, unchanged base first): chr5-112843470-ACTTCTCAGACCGTTTC-A. GRCh37 (hg19) VCF-style: chr5-112179167-ACTTCTCAGACCGTTTC-A.
Other names: c.7879_7894del, p.Ser2627fs (NM_001127510.3, NM_001354895.2); c.7825_7840del, p.Ser2609fs (NM_001127511.3); c.7933_7948del, p.Ser2645fs (NM_001354896.2); c.7909_7924del, p.Ser2637fs (NM_001354897.2); c.7804_7819del, p.Ser2602fs (NM_001354898.2); c.7795_7810del, p.Ser2599fs (NM_001354899.2); c.7756_7771del, p.Ser2586fs (NM_001354900.2); c.7702_7717del, p.Ser2568fs (NM_001354901.2); and 5 more; short protein forms S2501fs, S2536fs, S2609fs, S2627fs, S2637fs, S2467fs, S2526fs, S2568fs.
Identifiers: ClinVar variation 844610 (VCV000844610.11), dbSNP rs1766588110, ClinGen allele CA916080361.